The following is an entry in ClinVar:

NM_025179.4(PLXNA2):c.1469T>C (p.Ile490Thr)

Gene: PLXNA2 (plexin A2; minus strand). Cytogenetic location: 1q32.2.
Variant type: single nucleotide variant.
Coding change: c.1469T>C on transcript NM_025179.4 (MANE Select); coding-DNA position 1469, T replaced by C.
Protein change: p.Ile490Thr; replaces isoleucine 490 with threonine.
Molecular consequence: missense variant.
Genome position (GRCh38, 1-based): chr1:208,142,366, A>G on the plus strand (T>C on the coding strand, the complement: PLXNA2 is on the minus strand). VCF-style: chr1-208142366-A-G. GRCh37 (hg19) VCF-style: chr1-208315711-A-G.
Other names: short protein forms I490T.
Identifiers: ClinVar variation 2777155 (VCV002777155.3), dbSNP rs1182570452, ClinGen allele CA344554387.

ClinVar aggregate classification (germline): Uncertain significance (1 of 4 stars; one submission).

Allele frequency attached by ClinVar (database versions not stated): gnomAD exomes 0.00001.
gnomAD v4.1: 8 of 1,613,752 alleles (0.0005%); highest among the groups gnomAD compares: South Asian, 0.0055%; no homozygotes.

Submission:

Labcorp Genetics (formerly Invitae), Labcorp
Classification: Uncertain significance. Last evaluated: 2023-03-30. Review status: criteria provided, single submitter. Criteria: Invitae Variant Classification Sherloc (09022015). Collection method: clinical testing. Allele origin: germline.
Comment: This sequence change replaces isoleucine, which is neutral and non-polar, with threonine, which is neutral and polar, at codon 490 of the PLXNA2 protein (p.Ile490Thr). This variant is present in population databases (no rsID available, gnomAD 0.007%). This variant has not been reported in the literature in individuals affected with PLXNA2-related conditions. Advanced modeling of protein sequence and biophysical properties (such as structural, functional, and spatial information, amino acid conservation, physicochemical variation, residue mobility, and thermodynamic stability) performed at Invitae indicates that this missense variant is not expected to disrupt PLXNA2 protein function. In summary, the available evidence is currently insufficient to determine the role of this variant in disease. Therefore, it has been classified as a Variant of Uncertain Significance.